The following is an entry in ClinVar:

NM_000553.6(WRN):c.2564C>G (p.Ala855Gly)

Gene: WRN (WRN RecQ like helicase; plus strand). Cytogenetic location: 8p12.
Variant type: single nucleotide variant.
Coding change: c.2564C>G on transcript NM_000553.6 (MANE Select); coding-DNA position 2564, C replaced by G.
Protein change: p.Ala855Gly; replaces alanine 855 with glycine.
Molecular consequence: missense variant.
Genome position (GRCh38, 1-based): chr8:31,120,358, C>G. VCF-style: chr8-31120358-C-G. GRCh37 (hg19) VCF-style: chr8-30977874-C-G.
Other names: short protein forms A855G.
Identifiers: ClinVar variation 657300 (VCV000657300.7), dbSNP rs1284001743, ClinGen allele CA370915583.

ClinVar aggregate classification (germline): Uncertain significance (1 of 4 stars; one submission).

Conditions:
Werner syndrome (WRN). Identifiers: Orphanet 902, MedGen C0043119, MONDO:0010196, OMIM 277700.

Allele frequency attached by ClinVar (database versions not stated): gnomAD exomes below 0.00001.
gnomAD v4.1: 5 of 1,612,846 alleles (0.00031%); highest among the groups gnomAD compares: African/African-American, 0.0013%; no homozygotes.

Submission:

Labcorp Genetics (formerly Invitae), Labcorp
Classification: Uncertain significance for Werner syndrome. Last evaluated: 2025-07-31. Review status: criteria provided, single submitter. Criteria: Invitae Variant Classification Sherloc (09022015). Collection method: clinical testing. Allele origin: germline.
Comment: This sequence change replaces alanine, which is neutral and non-polar, with glycine, which is neutral and non-polar, at codon 855 of the WRN protein (p.Ala855Gly). This variant is present in population databases (no rsID available, gnomAD 0.0009%). This variant has not been reported in the literature in individuals affected with WRN-related conditions. ClinVar contains an entry for this variant (Variation ID: 657300). An algorithm developed to predict the effect of missense changes on protein structure and function (PolyPhen-2) suggests that this variant is likely to be disruptive. In summary, the available evidence is currently insufficient to determine the role of this variant in disease. Therefore, it has been classified as a Variant of Uncertain Significance.